The following is an entry in ClinVar:

NM_000626.4(CD79B):c.571G>C (p.Glu191Gln)

Genes: CD79B (CD79b molecule; minus strand), GH-LCR (growth hormone locus control region; plus strand). Cytogenetic location: 17q23.3.
Variant type: single nucleotide variant.
Coding change: c.571G>C on transcript NM_000626.4 (MANE Select); coding-DNA position 571, G replaced by C.
Protein change: p.Glu191Gln; replaces glutamic acid 191 with glutamine.
Molecular consequence: missense variant.
Genome position (GRCh38, 1-based): chr17:63,929,454, C>G on the plus strand (G>C on the coding strand, the complement: CD79B is on the minus strand). VCF-style: chr17-63929454-C-G. GRCh37 (hg19) VCF-style: chr17-62006814-C-G.
Other names: c.574G>C, p.Glu192Gln (NM_001039933.3); c.262G>C, p.Glu88Gln (NM_001329050.2); c.259G>C, p.Glu87Gln (NM_021602.4); short protein forms E192Q, E191Q, E87Q, E88Q.
Identifiers: ClinVar variation 1983157 (VCV001983157.3), dbSNP rs749917008, ClinGen allele CA8708501.

ClinVar aggregate classification (germline): Uncertain significance (1 of 4 stars; one submission).

Conditions:
Agammaglobulinemia 6, autosomal recessive (AGM6). Also called: AGAMMAGLOBULINEMIA 6; AGAMMAGLOBULINEMIA, AUTOSOMAL RECESSIVE, DUE TO CD79B DEFECT. Identifiers: MedGen C3150207, MONDO:0012987, OMIM 612692.

Allele frequency attached by ClinVar (database versions not stated): gnomAD 0.00001; TOPMed 0.00001; ExAC 0.00003; gnomAD exomes 0.00003.
gnomAD v4.1: 48 of 1,613,834 alleles (0.003%); highest among the groups gnomAD compares: Non-Finnish European, 0.004%; no homozygotes.

Submission:

Labcorp Genetics (formerly Invitae), Labcorp
Classification: Uncertain significance for Agammaglobulinemia 6, autosomal recessive. Last evaluated: 2024-09-30. Review status: criteria provided, single submitter. Criteria: Invitae Variant Classification Sherloc (09022015). Collection method: clinical testing. Allele origin: germline.
Comment: This sequence change replaces glutamic acid, which is acidic and polar, with glutamine, which is neutral and polar, at codon 191 of the CD79B protein (p.Glu191Gln). This variant is present in population databases (rs749917008, gnomAD 0.01%). This variant has not been reported in the literature in individuals affected with CD79B-related conditions. ClinVar contains an entry for this variant (Variation ID: 1983157). An algorithm developed to predict the effect of missense changes on protein structure and function (PolyPhen-2) suggests that this variant is likely to be disruptive. In summary, the available evidence is currently insufficient to determine the role of this variant in disease. Therefore, it has been classified as a Variant of Uncertain Significance.